The following is an entry in ClinVar:

ClinVar aggregate classification (germline): Uncertain significance (1 of 4 stars; one submission).

Conditions:
Epilepsy. Also called: Seizure disorder. Identifiers: MedGen C0014544, MeSH D004827, MONDO:0005027.

Allele frequency attached by ClinVar (database versions not stated): gnomAD exomes below 0.00001; gnomAD 0.00001; TOPMed 0.00001.

Submission:

Labcorp Genetics (formerly Invitae), Labcorp
Classification: Uncertain significance for Epilepsy. Last evaluated: 2024-10-23. Review status: criteria provided, single submitter. Criteria: Invitae Variant Classification Sherloc (09022015). Collection method: clinical testing. Allele origin: germline.
Comment: This sequence change falls in intron 3 of the PIGQ gene. It does not directly change the encoded amino acid sequence of the PIGQ protein. This variant is not present in population databases (gnomAD no frequency). This variant has not been reported in the literature in individuals affected with PIGQ-related conditions. ClinVar contains an entry for this variant (Variation ID: 2086108). Algorithms developed to predict the effect of sequence changes on RNA splicing suggest that this variant may disrupt the consensus splice site. In summary, the available evidence is currently insufficient to determine the role of this variant in disease. Therefore, it has been classified as a Variant of Uncertain Significance.

NM_004204.5(PIGQ):c.822-20G>A

Gene: PIGQ (phosphatidylinositol glycan anchor biosynthesis class Q; plus strand). Cytogenetic location: 16p13.3.
Variant type: single nucleotide variant.
Coding change: c.822-20G>A on transcript NM_004204.5 (MANE Select); 20 bases into the intron before coding-DNA position 822, G replaced by A.
Molecular consequence: intron variant.
Genome position (GRCh38, 1-based): chr16:576,114, G>A. VCF-style: chr16-576114-G-A. GRCh37 (hg19) VCF-style: chr16-626114-G-A.
Other names: c.822-20G>A (NM_148920.4).
Identifiers: ClinVar variation 2086108 (VCV002086108.3), dbSNP rs900266144, ClinGen allele CA276483221.
Genomic context (GRCh38, chr16:576,114, plus strand): 5'-TCCGGCCAGGCAGGCCTCCTCCTGCGGCCCCAGGCTGTGCTGGCCACCCTCATGCCGGCC[G>A]GGCCGGACCTCCCTTCCAGGAAGGCCAACACGGTGGCCTCTGTGCTGCTGGACGTGGCCC-3'